The following is an entry in ClinVar:

Conditions:
Breast-ovarian cancer, familial, susceptibility to, 1 (BROVCA1). Also called: BRCA1 Hereditary Breast and Ovarian Cancer; OVARIAN CANCER, SUSCEPTIBILITY TO. Identifiers: Orphanet 145, MedGen C2676676, MONDO:0011450, OMIM 604370. Disease mechanism: loss of function.

Submission:

Brotman Baty Institute, University of Washington
No classification provided (evidence only). Condition: Breast-ovarian cancer, familial 1. Review status: no classification provided. Collection method: in vitro. Allele origin: not applicable. Functional consequence: functionally_normal.
ClinVar note: "not provided" was previously submitted as the classification for the variant. However, the classification appeared to be based only on an observation of functional data so it was converted to no classification on 2025-07-30.

NM_007294.4(BRCA1):c.81-16C>G

Gene: BRCA1 (BRCA1 DNA repair associated; minus strand). Cytogenetic location: 17q21.31.
Variant type: single nucleotide variant.
Coding change: c.81-16C>G on transcript NM_007294.4 (MANE Select); 16 bases into the intron before coding-DNA position 81, C replaced by G.
Molecular consequence: intron variant.
Genome position (GRCh38, 1-based): chr17:43,115,795, G>C on the plus strand (C>G on the coding strand, the complement: BRCA1 is on the minus strand). VCF-style: chr17-43115795-G-C. GRCh37 (hg19) VCF-style: chr17-41267812-G-C.
Other names: c.-61-16C>G (NM_001408458.1, NM_001408470.1, NM_001407848.1 and 47 more transcripts); c.-219+9482C>G (NM_001407967.1); c.-170+9482C>G (NM_001407959.1); c.-7-9262C>G (NM_001407931.1, NM_001407747.1, NM_001408511.1 and 2 more transcripts); c.-223-16C>G (NM_001407962.1, NM_001408512.1, NM_001408510.1 and 1 more transcripts); c.-108-16C>G (NM_001407885.1, NM_001407886.1, NM_001408509.1 and 52 more transcripts); c.-177-16C>G (NM_001407746.1, NM_001408468.1, NM_001407842.1 and 13 more transcripts); c.-8+8222C>G (NM_001408461.1, NM_001407738.1, NM_001407932.1 and 23 more transcripts); and 10 more.
Identifiers: ClinVar variation 868769 (VCV000868769.3), dbSNP rs1057520829, ClinGen allele CA916081070.